The following is an entry in ClinVar:

ClinVar aggregate classification (germline): Uncertain significance (1 of 4 stars; one submission).

Allele frequency attached by ClinVar (database versions not stated): TOPMed below 0.00001.

Submission:

Labcorp Genetics (formerly Invitae), Labcorp
Classification: Uncertain significance. Last evaluated: 2021-07-02. Review status: criteria provided, single submitter. Criteria: Invitae Variant Classification Sherloc (09022015). Collection method: clinical testing. Allele origin: germline.
Comment: In summary, the available evidence is currently insufficient to determine the role of this variant in disease. Therefore, it has been classified as a Variant of Uncertain Significance. Algorithms developed to predict the effect of missense changes on protein structure and function (SIFT, PolyPhen-2, Align-GVGD) all suggest that this variant is likely to be tolerated. This variant has not been reported in the literature in individuals affected with FSCN2-related conditions. The frequency data for this variant in the population databases is considered unreliable, as metrics indicate poor data quality at this position in the ExAC database. This sequence change replaces glutamic acid with aspartic acid at codon 73 of the FSCN2 protein (p.Glu73Asp). The glutamic acid residue is moderately conserved and there is a small physicochemical difference between glutamic acid and aspartic acid.

NM_012418.4(FSCN2):c.219G>C (p.Glu73Asp)

Gene: FSCN2 (fascin actin-bundling protein 2, retinal; plus strand). Cytogenetic location: 17q25.3.
Variant type: single nucleotide variant.
Coding change: c.219G>C on transcript NM_012418.4 (MANE Select); coding-DNA position 219, G replaced by C.
Protein change: p.Glu73Asp; replaces glutamic acid 73 with aspartic acid.
Molecular consequence: missense variant.
Genome position (GRCh38, 1-based): chr17:81,528,750, G>C. VCF-style: chr17-81528750-G-C. GRCh37 (hg19) VCF-style: chr17-79495776-G-C.
Other names: c.219G>C, p.Glu73Asp (NM_001077182.3); short protein forms E73D.
Identifiers: ClinVar variation 1496071 (VCV001496071.8), dbSNP rs781802303, ClinGen allele CA8836614.